The following is an entry in ClinVar:

ClinVar aggregate classification (germline): Uncertain significance. Review status: criteria provided, multiple submitters, no conflicts (2 of 4 stars). 2 submissions from 2 submitters: Uncertain significance (2). Last evaluated 2026-01-19.

Conditions:
PLXNA2-related disorder. Also called: PLXNA2-related condition.

Allele frequency attached by ClinVar (database versions not stated): gnomAD 0.00005; gnomAD exomes 0.00006; TOPMed 0.00006; ExAC 0.00008; ESP Exome Variant Server 0.00015.
gnomAD v4.1: 97 of 1,613,832 alleles (0.006%); highest among the groups gnomAD compares: Middle Eastern, 0.033%; no homozygotes.

Submissions (2):

Labcorp Genetics (formerly Invitae), Labcorp
Classification: Uncertain significance. Last evaluated: 2026-01-19. Review status: criteria provided, single submitter. Criteria: Invitae Variant Classification Sherloc (09022015). Collection method: clinical testing. Allele origin: germline.
Comment: This sequence change replaces glutamine, which is neutral and polar, with histidine, which is basic and polar, at codon 1557 of the PLXNA2 protein (p.Gln1557His). This variant is present in population databases (rs372256678, gnomAD 0.02%). This missense change has been observed in individual(s) with neurodevelopmental disorder (PMID: 31785789). ClinVar contains an entry for this variant (Variation ID: 2075426). Invitae Evidence Modeling of protein sequence and biophysical properties (such as structural, functional, and spatial information, amino acid conservation, physicochemical variation, residue mobility, and thermodynamic stability) indicates that this missense variant is not expected to disrupt PLXNA2 protein function with a negative predictive value of 80%. In summary, the available evidence is currently insufficient to determine the role of this variant in disease. Therefore, it has been classified as a Variant of Uncertain Significance.

PreventionGenetics, part of Exact Sciences
Classification: Uncertain significance for PLXNA2-related condition. Last evaluated: 2025-10-27. Review status: criteria provided, single submitter. Criteria: ACMG Guidelines, 2015. Collection method: clinical testing. Allele origin: germline.
Comment: The PLXNA2 c.4671A>C variant is predicted to result in the amino acid substitution p.Gln1557His. This variant has been previously reported as a de novo variant in an individual with developmental disorder, along with two other de novo missense variants in ADAMTS9 and HDAC3 genes (Table S2, Sample ID: DDD4K.03161, Turner et al. 2019. PubMed ID: 31785789). This variant is reported in 0.020% of alleles in individuals of Latino descent in gnomAD. At this time, the clinical significance of this variant is uncertain due to the absence of conclusive functional and genetic evidence.

Literature cited by the submitters: PubMed 31785789 (cited by Labcorp Genetics (formerly Invitae), Labcorp).

NM_025179.4(PLXNA2):c.4671A>C (p.Gln1557His)

Gene: PLXNA2 (plexin A2; minus strand). Cytogenetic location: 1q32.2.
Variant type: single nucleotide variant.
Coding change: c.4671A>C on transcript NM_025179.4 (MANE Select); coding-DNA position 4671, A replaced by C.
Protein change: p.Gln1557His; replaces glutamine 1557 with histidine.
Molecular consequence: missense variant.
Genome position (GRCh38, 1-based): chr1:208,038,464, T>G on the plus strand (A>C on the coding strand, the complement: PLXNA2 is on the minus strand). VCF-style: chr1-208038464-T-G. GRCh37 (hg19) VCF-style: chr1-208211809-T-G.
Other names: c.4671A>C (NM_025179.3); short protein forms Q1557H.
Identifiers: ClinVar variation 2075426 (VCV002075426.6), dbSNP rs372256678, ClinGen allele CA1372792.